The following is an entry in ClinVar:

NM_015047.3(EMC1):c.2887G>A (p.Val963Met)

Genes: EMC1 (ER membrane protein complex subunit 1; minus strand), EMC1-AS1 (EMC1 antisense RNA 1; plus strand). Cytogenetic location: 1p36.13.
Variant type: single nucleotide variant.
Coding change: c.2887G>A on transcript NM_015047.3 (MANE Select); coding-DNA position 2887, G replaced by A.
Protein change: p.Val963Met; replaces valine 963 with methionine.
Molecular consequence: missense variant.
Genome position (GRCh38, 1-based): chr1:19,219,398, C>T on the plus strand (G>A on the coding strand, the complement: EMC1 is on the minus strand). VCF-style: chr1-19219398-C-T. GRCh37 (hg19) VCF-style: chr1-19545892-C-T.
Other names: c.2887G>A (NM_015047.1); c.2884G>A, p.Val962Met (NM_001271427.2, NM_001271428.2); c.2821G>A, p.Val941Met (NM_001271429.2); c.2896G>A, p.Val966Met (NM_001375820.1); c.2893G>A, p.Val965Met (NM_001375821.1); short protein forms V941M, V963M, V965M, V962M, V966M.
Identifiers: ClinVar variation 1415703 (VCV001415703.7), dbSNP rs776565472, ClinGen allele CA652120.

ClinVar aggregate classification (germline): Uncertain significance. Review status: criteria provided, multiple submitters, no conflicts (2 of 4 stars). 2 submissions from 2 submitters: Uncertain significance (2). Last evaluated 2026-01-26.

Conditions:
Inborn genetic diseases. Identifiers: MedGen C0950123, MeSH D030342.

Allele frequency attached by ClinVar (database versions not stated): ExAC 0.00001; gnomAD 0.00001 and 0.00002; gnomAD exomes 0.00002; TOPMed 0.00002.
gnomAD v4.1: 25 of 1,614,018 alleles (0.0015%); highest among the groups gnomAD compares: Admixed American, 0.022%; no homozygotes.

Submissions (2):

Labcorp Genetics (formerly Invitae), Labcorp
Classification: Uncertain significance. Last evaluated: 2026-01-26. Review status: criteria provided, single submitter. Criteria: Invitae Variant Classification Sherloc (09022015). Collection method: clinical testing. Allele origin: germline.
Comment: This sequence change replaces valine, which is neutral and non-polar, with methionine, which is neutral and non-polar, at codon 963 of the EMC1 protein (p.Val963Met). This variant is present in population databases (rs776565472, gnomAD 0.003%). This variant has not been reported in the literature in individuals affected with EMC1-related conditions. ClinVar contains an entry for this variant (Variation ID: 1415703). Invitae Evidence Modeling of protein sequence and biophysical properties (such as structural, functional, and spatial information, amino acid conservation, physicochemical variation, residue mobility, and thermodynamic stability) indicates that this missense variant is not expected to disrupt EMC1 protein function with a negative predictive value of 80%. In summary, the available evidence is currently insufficient to determine the role of this variant in disease. Therefore, it has been classified as a Variant of Uncertain Significance.

Ambry Genetics
Classification: Uncertain significance for Inborn genetic diseases. Last evaluated: 2025-11-07. Review status: criteria provided, single submitter. Criteria: Ambry Variant Classification Scheme 2023. Collection method: clinical testing. Allele origin: germline.
Comment: The c.2887G>A (p.V963M) alteration is located in exon 23 (coding exon 23) of the EMC1 gene. This alteration results from a G to A substitution at nucleotide position 2887, causing the valine (V) at amino acid position 963 to be replaced by a methionine (M). Based on data from gnomAD, the A allele has an overall frequency of 0.002% (5/251472) total alleles studied. The highest observed frequency was 0.004% (4/113768) of European (non-Finnish) alleles. Based on insufficient or conflicting evidence, the clinical significance of this alteration remains unclear.